The following is an entry in ClinVar:

ClinVar aggregate classification (germline): Pathogenic/Likely pathogenic. Review status: criteria provided, multiple submitters, no conflicts (2 of 4 stars). 2 submissions from 2 submitters: Pathogenic (1); Likely pathogenic (1). Last evaluated 2023-02-02.

Conditions:
Anophthalmia-microphthalmia syndrome. Also called: Anophthalmia/Microphthalmia; Anophthalmia - microphthalmia. Identifiers: Orphanet 98555, MedGen C5680330, MONDO:0020147.
OTX2-related disorder. Also called: OTX2-related disorders; OTX2-related condition.

Submissions (2):

Labcorp Genetics (formerly Invitae), Labcorp
Classification: Pathogenic for Anophthalmia-microphthalmia syndrome. Last evaluated: 2023-02-02. Review status: criteria provided, single submitter. Criteria: Invitae Variant Classification Sherloc (09022015). Collection method: clinical testing. Allele origin: germline.
Comment: This variant has not been reported in the literature in individuals affected with OTX2-related conditions. This sequence change creates a premature translational stop signal (p.Lys114Argfs*8) in the OTX2 gene. While this is not anticipated to result in nonsense mediated decay, it is expected to disrupt the last 176 amino acid(s) of the OTX2 protein. This variant is not present in population databases (gnomAD no frequency). This variant disrupts a region of the OTX2 protein in which other variant(s) (p.Ala236Ser) have been determined to be pathogenic (Invitae). This suggests that this is a clinically significant region of the protein, and that variants that disrupt it are likely to be disease-causing. For these reasons, this variant has been classified as Pathogenic.

Blueprint Genetics
Classification: Likely pathogenic for OTX2-related disorders. Last evaluated: 2020-10-07. Review status: criteria provided, single submitter. Criteria: ACMG Guidelines, 2015. Collection method: clinical testing. Allele origin: germline. Affected: yes. Observed: 1 variant allele.

NM_021728.4(OTX2):c.363del (p.Lys122fs)

Gene: OTX2 (orthodenticle homeobox 2; minus strand). Cytogenetic location: 14q22.3.
Variant type: Deletion.
Coding change: c.363del on transcript NM_021728.4 (MANE Select); coding-DNA position 363, one base deleted (G; older notation c.363delG).
Protein change: p.Lys122fs; shifts the reading frame from lysine 122.
Molecular consequence: frameshift variant. On other transcripts: non-coding transcript variant (2).
Genome position (GRCh38, 1-based): chr14:56,802,266, C deleted on the plus strand (G on the coding strand, the reverse complement: OTX2 is on the minus strand). VCF-style (leftmost placement, unchanged base first): chr14-56802265-TC-T. GRCh37 (hg19) VCF-style: chr14-57268983-TC-T.
Other names: c.339del, p.Lys114fs (NM_001270523.2, NM_001270524.2, NM_172337.3); c.363del, p.Lys122fs (NM_001270525.2); short protein forms K114fs, K122fs.
Identifiers: ClinVar variation 2833988 (VCV002833988.4), dbSNP rs2503898578, ClinGen allele CA2739279791.
Genomic context (GRCh38, chr14:56,802,265, plus strand): 5'-GGGGAGTGAATTGGCCACTTGTTCCACTCTCTGAACTCACTTCCCGAGCTGGAGATGTCT[TC>T]TTTTTGGCAGGTCTCACTTTGTTTTGACCTCCATTCTGCTGTTGTTGCTGTTGTTGGCGG-3'